The following is an entry in ClinVar:

ClinVar aggregate classification (germline): Uncertain significance (1 of 4 stars; one submission).

Submission:

Labcorp Genetics (formerly Invitae), Labcorp
Classification: Uncertain significance. Last evaluated: 2024-01-18. Review status: criteria provided, single submitter. Criteria: Invitae Variant Classification Sherloc (09022015). Collection method: clinical testing. Allele origin: germline.
Comment: This sequence change replaces serine, which is neutral and polar, with asparagine, which is neutral and polar, at codon 173 of the GRM6 protein (p.Ser173Asn). This variant is not present in population databases (gnomAD no frequency). This variant has not been reported in the literature in individuals affected with GRM6-related conditions. Advanced modeling of protein sequence and biophysical properties (such as structural, functional, and spatial information, amino acid conservation, physicochemical variation, residue mobility, and thermodynamic stability) has been performed at Invitae for this missense variant, however the output from this modeling did not meet the statistical confidence thresholds required to predict the impact of this variant on GRM6 protein function. In summary, the available evidence is currently insufficient to determine the role of this variant in disease. Therefore, it has been classified as a Variant of Uncertain Significance.

NM_000843.4(GRM6):c.518G>A (p.Ser173Asn)

Gene: GRM6 (glutamate metabotropic receptor 6; minus strand). Cytogenetic location: 5q35.3.
Variant type: single nucleotide variant.
Coding change: c.518G>A on transcript NM_000843.4 (MANE Select); coding-DNA position 518, G replaced by A.
Protein change: p.Ser173Asn; replaces serine 173 with asparagine.
Molecular consequence: missense variant.
Genome position (GRCh38, 1-based): chr5:178,992,070, C>T on the plus strand (G>A on the coding strand, the complement: GRM6 is on the minus strand). VCF-style: chr5-178992070-C-T. GRCh37 (hg19) VCF-style: chr5-178419071-C-T.
Other names: short protein forms S173N.
Identifiers: ClinVar variation 2758067 (VCV002758067.3), dbSNP rs1760687482, ClinGen allele CA362434629.